The following is an entry in ClinVar:

ClinVar aggregate classification (germline): Conflicting classifications of pathogenicity. Review status: criteria provided, conflicting classifications (1 of 4 stars). 7 submissions from 7 submitters: Uncertain significance (1); Likely benign (5). 1 of the submissions does not count toward it. Last evaluated 2026-01-28.

Conditions:
TGFB3-related disorder. Also called: TGFB3-related condition.
Rienhoff syndrome. Also called: LOEYS-DIETZ SYNDROME 5. Identifiers: MedGen C3810012, MONDO:0014262, OMIM 615582.
Arrhythmogenic right ventricular dysplasia 1. Identifiers: Orphanet 3403, MedGen C1862511, MONDO:0007152, OMIM 107970.
Familial thoracic aortic aneurysm and aortic dissection (TAAD). Also called: Thoracic aortic aneurysms and dissections. Identifiers: Orphanet 91387, MedGen C4707243, MONDO:0019625.

Allele frequency attached by ClinVar (database versions not stated): gnomAD exomes 0.00001 and 0.00008; TOPMed 0.00001; gnomAD 0.00004; ExAC 0.00007; 1000 Genomes Project 30x 0.00078; 1000 Genomes Project 0.00100.

Submissions (7):

Labcorp Genetics (formerly Invitae), Labcorp
Classification: Likely benign for Rienhoff syndrome. Last evaluated: 2026-01-28. Review status: criteria provided, single submitter. Criteria: Invitae Variant Classification Sherloc (09022015). Collection method: clinical testing. Allele origin: germline.

CeGaT Center for Human Genetics Tuebingen
Classification: Uncertain significance. Last evaluated: 2025-12-01. Review status: criteria provided, single submitter. Criteria: CeGaT Center For Human Genetics Tuebingen Variant Classification Criteria Version 2. Collection method: clinical testing. Allele origin: germline. Affected: yes. Observed: 1 variant allele.

Blueprint Genetics
Classification: Likely benign. Last evaluated: 2023-09-12. Review status: criteria provided, single submitter. Criteria: ACMG Guidelines, 2015. Collection method: clinical testing. Allele origin: germline.

Fulgent Genetics
Classification: Likely benign for Arrhythmogenic right ventricular dysplasia 1; Rienhoff syndrome. Last evaluated: 2021-11-12. Review status: criteria provided, single submitter. Criteria: ACMG Guidelines, 2015. Collection method: clinical testing. Allele origin: unknown.

Ambry Genetics
Classification: Likely benign for Familial thoracic aortic aneurysm and aortic dissection. Last evaluated: 2020-12-03. Review status: criteria provided, single submitter. Criteria: Ambry Variant Classification Scheme 2023. Collection method: clinical testing. Allele origin: germline.

GeneDx
Classification: Likely benign. Last evaluated: 2019-09-23. Review status: criteria provided, single submitter. Criteria: GeneDx Variant Classification Process June 2021. Collection method: clinical testing. Allele origin: germline. Affected: yes.

PreventionGenetics, part of Exact Sciences
Classification: Likely benign for TGFB3-related condition. Last evaluated: 2024-05-29. Review status: no assertion criteria provided. Collection method: clinical testing. Allele origin: germline. Not counted in ClinVar's aggregate classification.
Comment: This variant is classified as likely benign based on ACMG/AMP sequence variant interpretation guidelines (Richards et al. 2015 PMID: 25741868, with internal and published modifications).

NM_003239.5(TGFB3):c.101A>G (p.His34Arg)

Gene: TGFB3 (transforming growth factor beta 3; minus strand). Cytogenetic location: 14q24.3.
Variant type: single nucleotide variant.
Coding change: c.101A>G on transcript NM_003239.5 (MANE Select); coding-DNA position 101, A replaced by G.
Protein change: p.His34Arg; replaces histidine 34 with arginine.
Molecular consequence: missense variant.
Genome position (GRCh38, 1-based): chr14:75,980,793, T>C on the plus strand (A>G on the coding strand, the complement: TGFB3 is on the minus strand). VCF-style: chr14-75980793-T-C. GRCh37 (hg19) VCF-style: chr14-76447136-T-C.
Other names: c.101A>G, p.His34Arg (NM_001329938.2, NM_001329939.2); c.101A>G (NM_003239.4); short protein forms H34R.
Identifiers: ClinVar variation 579921 (VCV000579921.25), dbSNP rs199791687, ClinGen allele CA7280516.